The following is an entry in ClinVar:

ClinVar aggregate classification (germline): Uncertain significance (1 of 4 stars; one submission).

Submission:

Labcorp Genetics (formerly Invitae), Labcorp
Classification: Uncertain significance. Last evaluated: 2025-12-13. Review status: criteria provided, single submitter. Criteria: Invitae Variant Classification Sherloc (09022015). Collection method: clinical testing. Allele origin: germline.
Comment: This sequence change replaces lysine, which is basic and polar, with glutamic acid, which is acidic and polar, at codon 1991 of the SCN3A protein (p.Lys1991Glu). This variant is present in population databases (no rsID available, gnomAD 0.02%). This variant has not been reported in the literature in individuals affected with SCN3A-related conditions. Invitae Evidence Modeling of protein sequence and biophysical properties (such as structural, functional, and spatial information, amino acid conservation, physicochemical variation, residue mobility, and thermodynamic stability) indicates that this missense variant is not expected to disrupt SCN3A protein function with a negative predictive value of 95%. In summary, the available evidence is currently insufficient to determine the role of this variant in disease. Therefore, it has been classified as a Variant of Uncertain Significance.

NM_006922.4(SCN3A):c.5971A>G (p.Lys1991Glu)

Gene: SCN3A (sodium voltage-gated channel alpha subunit 3; minus strand). Cytogenetic location: 2q24.3.
Variant type: single nucleotide variant.
Coding change: c.5971A>G on transcript NM_006922.4 (MANE Select); coding-DNA position 5971, A replaced by G.
Protein change: p.Lys1991Glu; replaces lysine 1991 with glutamic acid.
Molecular consequence: missense variant.
Genome position (GRCh38, 1-based): chr2:165,090,182, T>C on the plus strand (A>G on the coding strand, the complement: SCN3A is on the minus strand). VCF-style: chr2-165090182-T-C. GRCh37 (hg19) VCF-style: chr2-165946692-T-C.
Other names: c.5824A>G, p.Lys1942Glu (NM_001081676.2, NM_001081677.2); short protein forms K1942E, K1991E.
Identifiers: ClinVar variation 4800246 (VCV004800246.1).
Genomic context (GRCh38, chr2:165,090,182, plus strand): 5'-GATCACAAAGATAATTCTTTGTTTCTTTTTACTTTTGATTTTCTCTGACCTCTTTTCCTT[T>C]GCTTTCTTTTTCTGGTTTGTCTTTCTCAAACTTTTCCTTGTCTGGTTTTGTTACACTATC-3'
Protein context (NP_008853.3, residues 1981-2000): FEKDKPEKES[Lys1991Glu]GKEVRENQK